The following is an entry in ClinVar:

ClinVar aggregate classification (germline): Uncertain significance. Review status: criteria provided, multiple submitters, no conflicts (2 of 4 stars). 2 submissions from 2 submitters: Uncertain significance (2). Last evaluated 2024-05-21.

Conditions:
Aortic aneurysm, familial thoracic 4 (AAT4). Also called: AORTIC ANEURYSM/AORTIC DISSECTION AND PATENT DUCTUS ARTERIOSUS. Identifiers: MedGen C1851504, MONDO:0007568, OMIM 132900.

Submissions (2):

GeneDx
Classification: Uncertain significance. Last evaluated: 2024-05-21. Review status: criteria provided, single submitter. Criteria: GeneDx Variant Classification Process June 2021. Collection method: clinical testing. Allele origin: germline. Affected: yes.
Comment: Has not been previously published as pathogenic or benign to our knowledge; Not observed at significant frequency in large population cohorts (gnomAD); In silico analysis indicates that this missense variant does not alter protein structure/function

Labcorp Genetics (formerly Invitae), Labcorp
Classification: Uncertain significance for Aortic aneurysm, familial thoracic 4. Last evaluated: 2022-12-01. Review status: criteria provided, single submitter. Criteria: Invitae Variant Classification Sherloc (09022015). Collection method: clinical testing. Allele origin: germline.
Comment: This sequence change replaces threonine, which is neutral and polar, with serine, which is neutral and polar, at codon 893 of the MYH11 protein (p.Thr893Ser). This variant is not present in population databases (gnomAD no frequency). This variant has not been reported in the literature in individuals affected with MYH11-related conditions. Advanced modeling of protein sequence and biophysical properties (such as structural, functional, and spatial information, amino acid conservation, physicochemical variation, residue mobility, and thermodynamic stability) performed at Invitae indicates that this missense variant is not expected to disrupt MYH11 protein function. In summary, the available evidence is currently insufficient to determine the role of this variant in disease. Therefore, it has been classified as a Variant of Uncertain Significance.

NM_002474.3(MYH11):c.2657C>G (p.Thr886Ser)

Gene: MYH11 (myosin heavy chain 11; minus strand). Cytogenetic location: 16p13.11.
Variant type: single nucleotide variant.
Coding change: c.2657C>G on transcript NM_002474.3 (MANE Select); coding-DNA position 2657, C replaced by G.
Protein change: p.Thr886Ser; replaces threonine 886 with serine.
Molecular consequence: missense variant.
Genome position (GRCh38, 1-based): chr16:15,741,665, G>C on the plus strand (C>G on the coding strand, the complement: MYH11 is on the minus strand). VCF-style: chr16-15741665-G-C. GRCh37 (hg19) VCF-style: chr16-15835522-G-C.
Other names: c.2678C>G, p.Thr893Ser (NM_001040113.2, NM_001040114.2); c.2657C>G, p.Thr886Ser (NM_022844.3); c.2657C>G (NM_002474.2); short protein forms T886S, T893S.
Identifiers: ClinVar variation 3012324 (VCV003012324.4), dbSNP rs1406909177, ClinGen allele CA394865915.